The following is an entry in ClinVar:

ClinVar aggregate classification (germline): Uncertain significance (1 of 4 stars; one submission).

Allele frequency attached by ClinVar (database versions not stated): gnomAD 0.00001; TOPMed 0.00001.
gnomAD v4.1: 5 of 1,607,984 alleles (0.00031%); highest among the groups gnomAD compares: Non-Finnish European, 0.00042%; no homozygotes.

Submission:

Labcorp Genetics (formerly Invitae), Labcorp
Classification: Uncertain significance. Last evaluated: 2020-08-22. Review status: criteria provided, single submitter. Criteria: Invitae Variant Classification Sherloc (09022015). Collection method: clinical testing. Allele origin: germline.
Comment: This sequence change replaces threonine with alanine at codon 1532 of the SZT2 protein (p.Thr1532Ala). The threonine residue is highly conserved and there is a small physicochemical difference between threonine and alanine. In summary, the available evidence is currently insufficient to determine the role of this variant in disease. Therefore, it has been classified as a Variant of Uncertain Significance. Algorithms developed to predict the effect of missense changes on protein structure and function are either unavailable or do not agree on the potential impact of this missense change (SIFT: "Tolerated"; PolyPhen-2: "Probably Damaging"; Align-GVGD: "Class C0"). This variant has not been reported in the literature in individuals with SZT2-related conditions. This variant is not present in population databases (ExAC no frequency).

NM_001365999.1(SZT2):c.4765A>G (p.Thr1589Ala)

Gene: SZT2 (SZT2 subunit of KICSTOR complex; plus strand). Cytogenetic location: 1p34.2.
Variant type: single nucleotide variant.
Coding change: c.4765A>G on transcript NM_001365999.1 (MANE Select); coding-DNA position 4765, A replaced by G.
Protein change: p.Thr1589Ala; replaces threonine 1589 with alanine.
Molecular consequence: missense variant.
Genome position (GRCh38, 1-based): chr1:43,430,780, A>G. VCF-style: chr1-43430780-A-G. GRCh37 (hg19) VCF-style: chr1-43896451-A-G.
Other names: c.4594A>G, p.Thr1532Ala (NM_015284.4); short protein forms T1532A, T1589A.
Identifiers: ClinVar variation 1002464 (VCV001002464.9), dbSNP rs1348292126, ClinGen allele CA340022674.
Genomic context (GRCh38, chr1:43,430,780, plus strand): 5'-CTCACGTGCTCCGTGCGGCTACGTGGGCAGCACAGCTCAGTACCTGTGTGCAGCCTGCCT[A>G]CCTGCCTGGGTGAGTTTGAGGCAGCCCGAGGGAAAGCCAAAGGTCCTGGAACAGCCTGCC-3'
Protein context (NP_001352928.1, residues 1579-1599): HSSVPVCSLP[Thr1589Ala]CLGQVLSSLE